The following is an entry in ClinVar:

NM_006017.3(PROM1):c.102T>C (p.Tyr34=)

Gene: PROM1 (prominin 1; minus strand). Cytogenetic location: 4p15.32.
Variant type: single nucleotide variant.
Coding change: c.102T>C on transcript NM_006017.3 (MANE Select); coding-DNA position 102, T replaced by C.
Protein change: p.Tyr34=; no amino-acid change (tyrosine 34 retained).
Molecular consequence: synonymous variant.
Genome position (GRCh38, 1-based): chr4:16,075,805, A>G on the plus strand (T>C on the coding strand, the complement: PROM1 is on the minus strand). VCF-style: chr4-16075805-A-G. GRCh37 (hg19) VCF-style: chr4-16077428-A-G.
Other names: c.102T>C, p.Tyr34= (NM_001145847.2, NM_001145848.2, NM_001145849.2 and 6 more transcripts).
Identifiers: ClinVar variation 2654685 (VCV002654685.24), dbSNP rs1743839237, ClinGen allele CA438390857.

ClinVar aggregate classification (germline): Likely benign (1 of 4 stars; one submission).

Allele frequency attached by ClinVar (database versions not stated): gnomAD exomes below 0.00001; TOPMed below 0.00001; gnomAD 0.00001.
gnomAD v4.1: 2 of 1,613,718 alleles (0.00012%); highest among the groups gnomAD compares: Middle Eastern, 0.016%; no homozygotes.

Submission:

CeGaT Center for Human Genetics Tuebingen
Classification: Likely benign. Last evaluated: 2022-10-01. Review status: criteria provided, single submitter. Criteria: CeGaT Center For Human Genetics Tuebingen Variant Classification Criteria Version 2. Collection method: clinical testing. Allele origin: germline. Affected: yes. Observed: 1 variant allele.
Comment: PROM1: BP4, BP7